The following is an entry in ClinVar:

ClinVar aggregate classification (germline): Conflicting classifications of pathogenicity. Review status: criteria provided, conflicting classifications (1 of 4 stars). 8 submissions from 5 submitters: Uncertain significance (7); Likely benign (1). Last evaluated 2026-07-06.

Conditions:
Malignant hyperthermia, susceptibility to, 5 (MHS5). Also called: CACNA1S-Related Malignant Hyperthermia Susceptibility. Identifiers: Orphanet 423, MedGen C1866077, MONDO:0011163, OMIM 601887.
Hypokalemic periodic paralysis, type 1. Also called: HypoPP; Hypokalemic Periodic Paralysis Type 1 (AD). Identifiers: Orphanet 681, MedGen C3714580, MONDO:0042979, OMIM 170400.
Inborn genetic diseases. Identifiers: MedGen C0950123, MeSH D030342.
Thyrotoxic periodic paralysis, susceptibility to, 1 (TTPP1). Identifiers: Orphanet 79102, MedGen C2749982, MONDO:0008570, OMIM 188580.
Congenital myopathy 18. Also called: DIHYDROPYRIDINE RECEPTOR CONGENITAL MYOPATHY; DHPR CONGENITAL MYOPATHY; Myopathy, congenital, due to dihydropyridine receptor defect. Identifiers: MedGen C5830283, MONDO:0859514, OMIM 620246.

Allele frequency attached by ClinVar (database versions not stated): gnomAD exomes below 0.00001; TOPMed below 0.00001.
gnomAD v4.1: 1 of 1,614,214 alleles (0.000062%); highest among the groups gnomAD compares: Admixed American, 0.0017%; no homozygotes.

Submissions (8):

Ambry Genetics
Classification: Likely benign for Inborn genetic diseases. Last evaluated: 2026-07-06. Review status: criteria provided, single submitter. Criteria: Ambry Variant Classification Scheme 2023. Collection method: clinical testing. Allele origin: germline.

Labcorp Genetics (formerly Invitae), Labcorp
Classification: Uncertain significance for Hypokalemic periodic paralysis, type 1; Malignant hyperthermia, susceptibility to, 5. Last evaluated: 2024-04-18. Review status: criteria provided, single submitter. Criteria: Invitae Variant Classification Sherloc (09022015). Collection method: clinical testing. Allele origin: germline.
Comment: This sequence change replaces threonine, which is neutral and polar, with isoleucine, which is neutral and non-polar, at codon 477 of the CACNA1S protein (p.Thr477Ile). This variant is present in population databases (no rsID available, gnomAD 0.003%). This variant has not been reported in the literature in individuals affected with CACNA1S-related conditions. ClinVar contains an entry for this variant (Variation ID: 1430278). Advanced modeling of protein sequence and biophysical properties (such as structural, functional, and spatial information, amino acid conservation, physicochemical variation, residue mobility, and thermodynamic stability) performed at Invitae indicates that this missense variant is not expected to disrupt CACNA1S protein function with a negative predictive value of 80%. In summary, the available evidence is currently insufficient to determine the role of this variant in disease. Therefore, it has been classified as a Variant of Uncertain Significance.

All of Us Research Program, National Institutes of Health
Classification: Uncertain significance for Malignant hyperthermia, susceptibility to, 5. Last evaluated: 2024-03-24. Review status: criteria provided, single submitter. Criteria: ACMG Guidelines, 2015. Collection method: clinical testing. Allele origin: germline. Inheritance: Autosomal dominant inheritance. Observed: 1 variant allele, 1 heterozygote.
Comment: This missense variant replaces threonine with isoleucine at codon 477 of the CACNA1S protein. Computational prediction suggests that this variant may not impact protein structure and function (internally defined REVEL score threshold <= 0.5, PMID: 27666373). To our knowledge, functional studies have not been reported for this variant. This variant has not been reported in individuals affected with CACNA1S-related disorders in the literature. This variant has been identified in 1/251490 chromosomes in the general population by the Genome Aggregation Database (gnomAD). The available evidence is insufficient to determine the role of this variant in disease conclusively. Therefore, this variant is classified as a Variant of Uncertain Significance.

This study involves interpretation of variants in research participants for the purpose of population health screening. Participant phenotype was not available at the time of variant classification. Additional details can be found in publication PMID: 35346344, PMCID: PMC8962531

Genome-Nilou Lab
Classification: Uncertain significance for Malignant hyperthermia, susceptibility to, 5. Last evaluated: 2023-04-11. Review status: criteria provided, single submitter. Criteria: ACMG Guidelines, 2015. Collection method: clinical testing. Allele origin: germline. Affected: no.

Genome-Nilou Lab
Classification: Uncertain significance for Thyrotoxic periodic paralysis, susceptibility to, 1. Last evaluated: 2023-04-11. Review status: criteria provided, single submitter. Criteria: ACMG Guidelines, 2015. Collection method: clinical testing. Allele origin: germline. Affected: no.

Genome-Nilou Lab
Classification: Uncertain significance for Congenital myopathy 18. Last evaluated: 2023-04-11. Review status: criteria provided, single submitter. Criteria: ACMG Guidelines, 2015. Collection method: clinical testing. Allele origin: germline. Affected: no.

Genome-Nilou Lab
Classification: Uncertain significance for Hypokalemic periodic paralysis, type 1. Last evaluated: 2023-04-11. Review status: criteria provided, single submitter. Criteria: ACMG Guidelines, 2015. Collection method: clinical testing. Allele origin: germline. Affected: no.

Fulgent Genetics
Classification: Uncertain significance for Hypokalemic periodic paralysis, type 1; Thyrotoxic periodic paralysis, susceptibility to, 1; Malignant hyperthermia, susceptibility to, 5. Last evaluated: 2022-03-16. Review status: criteria provided, single submitter. Criteria: ACMG Guidelines, 2015. Collection method: clinical testing. Allele origin: unknown.

NM_000069.3(CACNA1S):c.1430C>T (p.Thr477Ile)

Gene: CACNA1S (calcium voltage-gated channel subunit alpha1 S; minus strand). Cytogenetic location: 1q32.1.
Variant type: single nucleotide variant.
Coding change: c.1430C>T on transcript NM_000069.3 (MANE Select); coding-DNA position 1430, C replaced by T.
Protein change: p.Thr477Ile; replaces threonine 477 with isoleucine.
Molecular consequence: missense variant.
Genome position (GRCh38, 1-based): chr1:201,078,068, G>A on the plus strand (C>T on the coding strand, the complement: CACNA1S is on the minus strand). VCF-style: chr1-201078068-G-A. GRCh37 (hg19) VCF-style: chr1-201047196-G-A.
Other names: c.1430C>T (NM_000069.2); short protein forms T477I.
Identifiers: ClinVar variation 1430278 (VCV001430278.10), dbSNP rs1235626524, ClinGen allele CA344122666.